The following is an entry in ClinVar:

ClinVar aggregate classification (germline): Uncertain significance. Review status: criteria provided, multiple submitters, no conflicts (2 of 4 stars). 2 submissions from 2 submitters: Uncertain significance (2). Last evaluated 2022-03-28.

Conditions:
Hereditary spastic paraplegia 48. Also called: SPASTIC PARAPLEGIA 48, AUTOSOMAL RECESSIVE; Spastic paraplegia 48. Identifiers: Orphanet 306511, MedGen C3150901, MONDO:0013342, OMIM 613647.

Allele frequency attached by ClinVar (database versions not stated): gnomAD 0.00003; gnomAD exomes 0.00003 and 0.00006; TOPMed 0.00006; ExAC 0.00007.
gnomAD v4.1: 45 of 1,613,614 alleles (0.0028%); highest among the groups gnomAD compares: Middle Eastern, 0.016%; no homozygotes.

Submissions (2):

Labcorp Genetics (formerly Invitae), Labcorp
Classification: Uncertain significance for Hereditary spastic paraplegia 48. Last evaluated: 2022-03-28. Review status: criteria provided, single submitter. Criteria: Invitae Variant Classification Sherloc (09022015). Collection method: clinical testing. Allele origin: germline.
Comment: This sequence change replaces proline, which is neutral and non-polar, with leucine, which is neutral and non-polar, at codon 397 of the AP5Z1 protein (p.Pro397Leu). This variant is present in population databases (rs759329689, gnomAD 0.03%). This missense change has been observed in individual(s) with clinical features of AP5Z1-related conditions (PMID: 31785789). Algorithms developed to predict the effect of missense changes on protein structure and function are either unavailable or do not agree on the potential impact of this missense change (SIFT: "Deleterious"; PolyPhen-2: "Benign"; Align-GVGD: "Class C65"). In summary, the available evidence is currently insufficient to determine the role of this variant in disease. Therefore, it has been classified as a Variant of Uncertain Significance.

Breakthrough Genomics
Classification: Uncertain significance. Review status: criteria provided, single submitter. Criteria: ACMG Guidelines, 2015. Collection method: not provided. Allele origin: germline. Inheritance: Autosomal recessive inheritance. Affected: yes.

Literature cited by the submitters: PubMed 31785789 (cited by Labcorp Genetics (formerly Invitae), Labcorp).

NM_014855.3(AP5Z1):c.1190C>T (p.Pro397Leu)

Gene: AP5Z1 (adaptor related protein complex 5 subunit zeta 1; plus strand). Cytogenetic location: 7p22.1.
Variant type: single nucleotide variant.
Coding change: c.1190C>T on transcript NM_014855.3 (MANE Select); coding-DNA position 1190, C replaced by T.
Protein change: p.Pro397Leu; replaces proline 397 with leucine.
Molecular consequence: missense variant. On other transcripts: non-coding transcript variant (1).
Genome position (GRCh38, 1-based): chr7:4,786,307, C>T. VCF-style: chr7-4786307-C-T. GRCh37 (hg19) VCF-style: chr7-4825938-C-T.
Other names: c.722C>T, p.Pro241Leu (NM_001364858.1); short protein forms P241L, P397L.
Identifiers: ClinVar variation 1352934 (VCV001352934.6), dbSNP rs759329689, ClinGen allele CA4137677.
Genomic context (GRCh38, chr7:4,786,307, plus strand): 5'-CAGGGGAAGCGGCTGCAGTGGACTCGGAAGCCGTCTACCAGCACCTGTTCACCAGGATCC[C>T]GGTGGAGCAGTTCCACAGCCCCATGCTGGCCTTTGAATTCATCCAGTTCTGCAGGGACAA-3'
Protein context (NP_055670.1, residues 387-407): AVYQHLFTRI[Pro397Leu]VEQFHSPMLA